The following is an entry in ClinVar:

NM_001376.5(DYNC1H1):c.2288C>T (p.Ala763Val)

Gene: DYNC1H1 (dynein cytoplasmic 1 heavy chain 1; plus strand). Cytogenetic location: 14q32.31.
Variant type: single nucleotide variant.
Coding change: c.2288C>T on transcript NM_001376.5 (MANE Select); coding-DNA position 2288, C replaced by T.
Protein change: p.Ala763Val; replaces alanine 763 with valine.
Molecular consequence: missense variant.
Genome position (GRCh38, 1-based): chr14:101,986,513, C>T. VCF-style: chr14-101986513-C-T. GRCh37 (hg19) VCF-style: chr14-102452850-C-T.
Other names: short protein forms A763V.
Identifiers: ClinVar variation 590055 (VCV000590055.17), dbSNP rs1358924141, ClinGen allele CA391022660.

ClinVar aggregate classification (germline): Conflicting classifications of pathogenicity. Review status: criteria provided, conflicting classifications (1 of 4 stars). 4 submissions from 4 submitters: Uncertain significance (3); Likely benign (1). Last evaluated 2023-07-17.

Conditions:
Cortical dysplasia, complex, with other brain malformations 13. Also called: Intellectual disability, autosomal dominant 13. Identifiers: MedGen C3281202, MONDO:0013805, OMIM 614563.
Charcot-Marie-Tooth disease axonal type 2O. Also called: Charcot-Marie-Tooth disease, axonal, type 20; CHARCOT-MARIE-TOOTH NEUROPATHY, AXONAL, TYPE 2O; CHARCOT-MARIE-TOOTH DISEASE, AXONAL, AUTOSOMAL DOMINANT, TYPE 2O; Charcot-Marie-Tooth Neuropathy Type 2O. Identifiers: Orphanet 284232, MedGen C3280220, MONDO:0013644, OMIM 614228.
Inborn genetic diseases. Identifiers: MedGen C0950123, MeSH D030342.

Allele frequency attached by ClinVar (database versions not stated): TOPMed below 0.00001; gnomAD exomes below 0.00001.
gnomAD v4.1: 5 of 1,614,102 alleles (0.00031%); highest among the groups gnomAD compares: East Asian, 0.0022%; no homozygotes.

Submissions (4):

Victorian Clinical Genetics Services, Murdoch Childrens Research Institute
Classification: Uncertain significance for Cortical dysplasia, complex, with other brain malformations 13. Last evaluated: 2023-07-17. Review status: criteria provided, single submitter. Criteria: ACMG Guidelines, 2015. Collection method: clinical testing. Allele origin: germline. Inheritance: Autosomal dominant inheritance. Affected: yes.
Comment: Based on the classification scheme VCGS_Germline_v1.3.4, this variant is classified as VUS-3B. Following criteria are met: 0103 - Loss of function and gain of function are known mechanisms of disease in this gene and are associated with spinal muscular atrophy, lower extremity-predominant 1 (MIM#158600), cortical dysplasia, complex, with other brain malformations 13 (MIM#614563) and type 20 axonal Charcot-Marie-Tooth disease (MIM#614228). While there is no clear genotype-phenotype correlation, there is some association between the severity of the variant on protein function and the phenotype that is manifested (PMIDs: 25512093, 28196890). (I) 0107 - This gene is associated with autosomal dominant disease. (I) 0200 - Variant is predicted to result in a missense amino acid change from alanine to valine. (I) 0251 - This variant is heterozygous. (I) 0302 - Variant is present in gnomAD (v2) <0.001 for a dominant condition (1 heterozygote, 0 homozygotes). (SP) 0502 - Missense variant with conflicting in silico predictions and uninformative conservation. (I) 0600 - Variant is located in the annotated DHC_N1 domain (DECIPHER). (I) 0705 - No comparable missense variants have previous evidence for pathogenicity. (I) 0808 - Previous reports of pathogenicity for this variant are conflicting. This variant has been reported as a VUS and as likely benign (ClinVar). (I) 0905 - No published segregation evidence has been identified for this variant. (I) 1007 - No published functional evidence has been identified for this variant. (I) 1208 - Inheritance information for this variant is not currently available in this individual. (I) Legend: (SP) - Supporting pathogenic, (I) - Information, (SB) - Supporting benign

Labcorp Genetics (formerly Invitae), Labcorp
Classification: Likely benign for Charcot-Marie-Tooth disease axonal type 2O. Last evaluated: 2022-08-23. Review status: criteria provided, single submitter. Criteria: Invitae Variant Classification Sherloc (09022015). Collection method: clinical testing. Allele origin: germline.

Ambry Genetics
Classification: Uncertain significance for Inborn genetic diseases. Last evaluated: 2022-04-25. Review status: criteria provided, single submitter. Criteria: Ambry Variant Classification Scheme 2023. Collection method: clinical testing. Allele origin: germline.

GeneDx
Classification: Uncertain significance. Last evaluated: 2019-07-11. Review status: criteria provided, single submitter. Criteria: GeneDx Variant Classification Process June 2021. Collection method: clinical testing. Allele origin: germline. Affected: yes.
Comment: In silico analysis, which includes protein predictors and evolutionary conservation, supports that this variant does not alter protein structure/function; Has not been previously published as pathogenic or benign to our knowledge

Literature cited by the submitters: PubMed 25512093 (cited by Victorian Clinical Genetics Services, Murdoch Childrens Research Institute); PubMed 28196890 (cited by Victorian Clinical Genetics Services, Murdoch Childrens Research Institute).